The following is an entry in ClinVar:

ClinVar aggregate classification (germline): Conflicting classifications of pathogenicity. Review status: criteria provided, conflicting classifications (1 of 4 stars). 2 submissions from 2 submitters: Uncertain significance (1); Likely benign (1). Last evaluated 2024-12-27.

Conditions:
Lynch syndrome 5 (LYNCH5). Also called: Colorectal cancer, hereditary nonpolyposis, type 5; Hereditary non-polyposis colorectal cancer, type 5. Identifiers: Orphanet 144, MedGen C1833477, MONDO:0013710, OMIM 614350. Disease mechanism: loss of function.
Hereditary nonpolyposis colorectal neoplasms. Identifiers: MedGen C0009405, MeSH D003123.

Submissions (2):

Myriad Genetics, Inc.
Classification: Likely benign for Lynch syndrome 5. Last evaluated: 2024-12-27. Review status: criteria provided, single submitter. Criteria: Myriad Autosomal Dominant, Autosomal Recessive and X-Linked Classification Criteria (2023). Collection method: clinical testing. Allele origin: unknown.
Comment: This variant is considered likely benign. This variant has been observed in trans with a known pathogenic variant in one or more individuals lacking clinical features consistent with gene-specific recessive disease.

Labcorp Genetics (formerly Invitae), Labcorp
Classification: Uncertain significance for Hereditary nonpolyposis colorectal neoplasms. Last evaluated: 2023-02-23. Review status: criteria provided, single submitter. Criteria: Invitae Variant Classification Sherloc (09022015). Collection method: clinical testing. Allele origin: germline.
Comment: This variant has not been reported in the literature in individuals affected with MSH6-related conditions. In summary, the available evidence is currently insufficient to determine the role of this variant in disease. Therefore, it has been classified as a Variant of Uncertain Significance. Advanced modeling of protein sequence and biophysical properties (such as structural, functional, and spatial information, amino acid conservation, physicochemical variation, residue mobility, and thermodynamic stability) performed at Invitae indicates that this missense variant is not expected to disrupt MSH6 protein function. This variant is not present in population databases (gnomAD no frequency). This sequence change replaces phenylalanine, which is neutral and non-polar, with leucine, which is neutral and non-polar, at codon 582 of the MSH6 protein (p.Phe582Leu).

NM_000179.3(MSH6):c.1744T>C (p.Phe582Leu)

Gene: MSH6 (mutS homolog 6; plus strand). Cytogenetic location: 2p16.3.
Variant type: single nucleotide variant.
Coding change: c.1744T>C on transcript NM_000179.3 (MANE Select); coding-DNA position 1744, T replaced by C.
Protein change: p.Phe582Leu; replaces phenylalanine 582 with leucine.
Molecular consequence: missense variant. On other transcripts: non-coding transcript variant (4), intron variant (2).
Genome position (GRCh38, 1-based): chr2:47,799,727, T>C. VCF-style: chr2-47799727-T-C. GRCh37 (hg19) VCF-style: chr2-48026866-T-C.
Other names: c.1354T>C, p.Phe452Leu (NM_001281492.2); c.838T>C, p.Phe280Leu (NM_001281493.2, NM_001281494.2, NM_001406811.1 and 6 more transcripts); c.1840T>C, p.Phe614Leu (NM_001406795.1, NM_001406802.1); c.1744T>C, p.Phe582Leu (NM_001406796.1, NM_001406798.1, NM_001406800.1 and 3 more transcripts); c.1447T>C, p.Phe483Leu (NM_001406797.1, NM_001406818.1, NM_001406819.1 and 10 more transcripts); c.1219T>C, p.Phe407Leu (NM_001406799.1, NM_001406806.1, NM_001406807.1); c.1750T>C, p.Phe584Leu (NM_001406813.1); c.1606+138T>C (NM_001406817.1); and 3 more; short protein forms F280L, F452L, F526L, F584L, F407L, F483L, F556L, F582L.
Identifiers: ClinVar variation 2840176 (VCV002840176.4), dbSNP rs2104364872, ClinGen allele CA346748887.